The following is an entry in ClinVar:

NM_023067.4(FOXL2):c.511_551del (p.Gly171fs)

Gene: FOXL2 (forkhead box L2; minus strand). Cytogenetic location: 3q22.3.
Variant type: Deletion.
Coding change: c.511_551del on transcript NM_023067.4 (MANE Select); coding-DNA positions 511 to 551, 41 bases deleted.
Protein change: p.Gly171fs; shifts the reading frame from glycine 171.
Molecular consequence: frameshift variant.
Genome position (GRCh38, 1-based): chr3:138,946,172-138,946,212, 41 bases deleted; deleting any 41 consecutive bases within chr3:138,946,172-138,946,214 gives the same sequence; the c. name uses the placement nearest the transcript's 3' end. GRCh37 (hg19): chr3:138,665,016-138,665,056.
Other names: short protein forms G171fs.
Identifiers: ClinVar variation 3640873 (VCV003640873.2).

ClinVar aggregate classification (germline): Pathogenic (1 of 4 stars; one submission).

Submission:

Labcorp Genetics (formerly Invitae), Labcorp
Classification: Pathogenic. Last evaluated: 2024-02-14. Review status: criteria provided, single submitter. Criteria: Invitae Variant Classification Sherloc (09022015). Collection method: clinical testing. Allele origin: germline.
Comment: This sequence change creates a premature translational stop signal (p.Gly171Argfs*54) in the FOXL2 gene. While this is not anticipated to result in nonsense mediated decay, it is expected to disrupt the last 206 amino acid(s) of the FOXL2 protein. This variant is not present in population databases (gnomAD no frequency). This premature translational stop signal has been observed in individual(s) with clinical features of blepharophimosis, ptosis, and epicanthus inversus syndrome (Invitae). This variant disrupts a region of the FOXL2 protein in which other variant(s) (p.Pro307Hisfs*52 (also known as 1149-1156dup8)) have been determined to be pathogenic (PMID: 11468277). This suggests that this is a clinically significant region of the protein, and that variants that disrupt it are likely to be disease-causing. For these reasons, this variant has been classified as Pathogenic.

Literature cited by the submitters: PubMed 11468277.